The following is an entry in ClinVar:

NM_004423.4(DVL3):c.829T>C (p.Tyr277His)

Gene: DVL3 (dishevelled segment polarity protein 3; plus strand). Cytogenetic location: 3q27.1.
Variant type: single nucleotide variant.
Coding change: c.829T>C on transcript NM_004423.4 (MANE Select); coding-DNA position 829, T replaced by C.
Protein change: p.Tyr277His; replaces tyrosine 277 with histidine.
Molecular consequence: missense variant.
Genome position (GRCh38, 1-based): chr3:184,166,191, T>C. VCF-style: chr3-184166191-T-C. GRCh37 (hg19) VCF-style: chr3-183883979-T-C.
Other names: short protein forms Y277H.
Identifiers: ClinVar variation 4882114 (VCV004882114.2).
Genomic context (GRCh38, chr3:184,166,191, plus strand): 5'-TATAACTTCTTGGGCATCTCCATTGTGGGCCAAAGCAACGAGCGTGGTGACGGCGGCATC[T>C]ACATTGGCTCTATCATGAAGGGTGGGGCCGTGGCTGCTGATGGACGCATCGAGCCAGGAG-3'
Protein context (NP_004414.3, residues 267-287): QSNERGDGGI[Tyr277His]IGSIMKGGAV

ClinVar aggregate classification (germline): Uncertain significance (1 of 4 stars; one submission).

Conditions:
Autosomal dominant Robinow syndrome 3. Identifiers: Orphanet 3107, Orphanet 97360, MedGen C4225164, MONDO:0014819, OMIM 616894.

Submission:

Dasa
Classification: Uncertain significance for Autosomal dominant Robinow syndrome 3. Last evaluated: 2025-09-17. Review status: criteria provided, single submitter. Criteria: DASA Assertion Criteria. Collection method: clinical testing. Allele origin: germline.
Comment: NM_004423.4(DVL3):c.829T>C (p.Tyr277His) is a missense variant that results in the substitution of tyrosine with histidine. This variant is absent from population databases. Computational prediction algorithms are consistent with a deleterious effect. The currently available literature and clinical evidence are not sufficient to establish a definitive association between this variant and the reported condition. Therefore, this variant is classified as a variant of uncertain significance.